The following is an entry in ClinVar:

ClinVar aggregate classification (germline): Likely benign. Review status: criteria provided, multiple submitters, no conflicts (2 of 4 stars). 5 submissions from 5 submitters: Likely benign (4). 1 of the submissions does not count toward it. Last evaluated 2026-01-28.

Conditions:
Severe combined immunodeficiency due to LCK deficiency. Also called: Immunodeficiency 22. Identifiers: Orphanet 280142, MedGen C4014233, MONDO:0014334, OMIM 615758.
LCK-related disorder. Also called: LCK-related condition.

Allele frequency attached by ClinVar (database versions not stated): gnomAD exomes 0.00013 and 0.00037; ExAC 0.00048; 1000 Genomes Project 0.00100; 1000 Genomes Project 30x 0.00125; gnomAD 0.00168 and 0.00179; TOPMed 0.00173; ESP Exome Variant Server 0.00208.
gnomAD v4.1: 466 of 1,614,190 alleles (0.029%); highest among the groups gnomAD compares: African/African-American, 0.53%; 1 homozygote.

Submissions (5):

Labcorp Genetics (formerly Invitae), Labcorp
Classification: Likely benign for Severe combined immunodeficiency due to LCK deficiency. Last evaluated: 2026-01-28. Review status: criteria provided, single submitter. Criteria: Invitae Variant Classification Sherloc (09022015). Collection method: clinical testing. Allele origin: germline.

Ambry Genetics
Classification: Likely benign. Last evaluated: 2025-08-03. Review status: criteria provided, single submitter. Criteria: Ambry Variant Classification Scheme 2023. Collection method: clinical testing. Allele origin: germline.

Blueprint Genetics
Classification: Likely benign. Last evaluated: 2024-06-27. Review status: criteria provided, single submitter. Criteria: ACMG Guidelines, 2015. Collection method: clinical testing. Allele origin: germline.

Breakthrough Genomics
Classification: Likely benign. Review status: criteria provided, single submitter. Criteria: ACMG Guidelines, 2015. Collection method: not provided. Allele origin: germline. Inheritance: Autosomal recessive inheritance. Affected: yes.

PreventionGenetics, part of Exact Sciences
Classification: Likely benign for LCK-related condition. Last evaluated: 2023-06-08. Review status: no assertion criteria provided. Collection method: clinical testing. Allele origin: germline. Not counted in ClinVar's aggregate classification.
Comment: This variant is classified as likely benign based on ACMG/AMP sequence variant interpretation guidelines (Richards et al. 2015 PMID: 25741868, with internal and published modifications).

NM_005356.5(LCK):c.281G>A (p.Ser94Asn)

Gene: LCK (LCK proto-oncogene, Src family tyrosine kinase; plus strand). Cytogenetic location: 1p35.2.
Variant type: single nucleotide variant.
Coding change: c.281G>A on transcript NM_005356.5 (MANE Select); coding-DNA position 281, G replaced by A.
Protein change: p.Ser94Asn; replaces serine 94 with asparagine.
Molecular consequence: missense variant.
Genome position (GRCh38, 1-based): chr1:32,275,323, G>A. VCF-style: chr1-32275323-G-A. GRCh37 (hg19) VCF-style: chr1-32740924-G-A.
Other names: c.281G>A, p.Ser94Asn (NM_001042771.3, NM_001330468.2); c.281G>A (NM_005356.3); short protein forms S94N.
Identifiers: ClinVar variation 785762 (VCV000785762.16), dbSNP rs142674647, ClinGen allele CA741068.
Genomic context (GRCh38, chr1:32,275,323, plus strand): 5'-AGGGAGGGTCTCAGGTCGACGGCTGAGCGAGCCACACTGACCCACCTCCGTGGCGCAGGA[G>A]CGGCGAGTGGTGGAAGGCGCAGTCCCTGACCACGGGCCAGGAAGGCTTCATCCCCTTCAA-3'
Protein context (NP_005347.3, residues 84-104): KGEQLRILEQ[Ser94Asn]GEWWKAQSLT